The following is an entry in ClinVar:

NM_001042492.3(NF1):c.5329G>T (p.Val1777Phe)

Gene: NF1 (neurofibromin 1; plus strand). Cytogenetic location: 17q11.2.
Variant type: single nucleotide variant.
Coding change: c.5329G>T on transcript NM_001042492.3 (MANE Select); coding-DNA position 5329, G replaced by T.
Protein change: p.Val1777Phe; replaces valine 1777 with phenylalanine.
Molecular consequence: missense variant.
Genome position (GRCh38, 1-based): chr17:31,327,559, G>T. VCF-style: chr17-31327559-G-T. GRCh37 (hg19) VCF-style: chr17-29654577-G-T.
Other names: c.5266G>T, p.Val1756Phe (NM_000267.4); short protein forms V1777F, V1756F.
Identifiers: ClinVar variation 404433 (VCV000404433.7), dbSNP rs876658562, ClinGen allele CA16615535.

ClinVar aggregate classification (germline): Uncertain significance (1 of 4 stars; one submission).

Conditions:
Neurofibromatosis, type 1 (NF1). Also called: Neurofibromatosis, type I; NEUROFIBROMATOSIS, TYPE I, SOMATIC; Peripheral type neurofibromatosis; VON RECKLINGHAUSEN DISEASE. Identifiers: Orphanet 636, MedGen C0027831, MONDO:0018975, OMIM 162200. Disease mechanism: loss of function.

gnomAD v4.1: 1 of 1,614,188 alleles (0.000062%); highest among the groups gnomAD compares: Non-Finnish European, 0.000085%; no homozygotes.

Submission:

Labcorp Genetics (formerly Invitae), Labcorp
Classification: Uncertain significance for Neurofibromatosis, type 1. Last evaluated: 2024-06-16. Review status: criteria provided, single submitter. Criteria: Invitae Variant Classification Sherloc (09022015). Collection method: clinical testing. Allele origin: germline.
Comment: This sequence change replaces valine, which is neutral and non-polar, with phenylalanine, which is neutral and non-polar, at codon 1756 of the NF1 protein (p.Val1756Phe). This variant is not present in population databases (gnomAD no frequency). This variant has not been reported in the literature in individuals affected with NF1-related conditions. ClinVar contains an entry for this variant (Variation ID: 404433). Advanced modeling of protein sequence and biophysical properties (such as structural, functional, and spatial information, amino acid conservation, physicochemical variation, residue mobility, and thermodynamic stability) performed at Invitae indicates that this missense variant is expected to disrupt NF1 protein function with a positive predictive value of 95%. In summary, the available evidence is currently insufficient to determine the role of this variant in disease. Therefore, it has been classified as a Variant of Uncertain Significance.